The following is an entry in ClinVar:

NM_001326411.2(PISD):c.845-2A>G

Gene: PISD (phosphatidylserine decarboxylase; minus strand). Cytogenetic location: 22q12.2.
Variant type: single nucleotide variant.
Coding change: c.845-2A>G on transcript NM_001326411.2 (MANE Select); the canonical splice acceptor site of the intron before coding-DNA position 845, A replaced by G.
Molecular consequence: splice acceptor variant. On other transcripts: intron variant (3).
Genome position (GRCh38, 1-based): chr22:31,620,715, T>C on the plus strand (A>G on the coding strand, the complement: PISD is on the minus strand). VCF-style: chr22-31620715-T-C. GRCh37 (hg19) VCF-style: chr22-32016701-T-C.
Other names: c.782-2A>G (NM_001326412.1, NM_001326413.2, NM_001326414.2); c.844+281A>G (NM_001326421.1); c.665-116A>G (NM_001326420.2); c.665-2A>G (NM_001326418.2); c.743-2A>G (NM_001326415.2, NM_001326417.2, NM_001326416.2 and 2 more transcripts); c.743-116A>G (NM_001326419.2).
Identifiers: ClinVar variation 2696718 (VCV002696718.4), dbSNP rs1204501099, ClinGen allele CA411285890.
Genomic context (GRCh38, chr22:31,620,715, plus strand): 5'-ATGGCAGAAGAGCTCTTTGATCCAGCGAGCCATGCCAGGGTTCACTGACATCAGGGAGCC[T>C]GCAGAGGCAGGGAATGCCGCTACTCCCCGTCCAGAGCCCGGTGTGTCCACCCCATGGCAG-3'

ClinVar aggregate classification (germline): Conflicting classifications of pathogenicity. Review status: criteria provided, conflicting classifications (1 of 4 stars). 2 submissions from 2 submitters: Likely pathogenic (1); Uncertain significance (1). Last evaluated 2024-03-28.

Allele frequency attached by ClinVar (database versions not stated): gnomAD 0.00001; gnomAD exomes 0.00002; TOPMed 0.00002.
gnomAD v4.1: 25 of 1,614,012 alleles (0.0015%); highest among the groups gnomAD compares: Non-Finnish European, 0.0019%; no homozygotes.

Submissions (2):

Labcorp Genetics (formerly Invitae), Labcorp
Classification: Likely pathogenic. Last evaluated: 2024-03-28. Review status: criteria provided, single submitter. Criteria: Invitae Variant Classification Sherloc (09022015). Collection method: clinical testing. Allele origin: germline.
Comment: This sequence change affects an acceptor splice site in intron 6 of the PISD gene. It is expected to disrupt RNA splicing. Variants that disrupt the donor or acceptor splice site typically lead to a loss of protein function (PMID: 16199547), and loss-of-function variants in PISD are known to be pathogenic (PMID: 30488656, 30858161). This variant is present in population databases (no rsID available, gnomAD 0.005%). This variant has not been reported in the literature in individuals affected with PISD-related conditions. Algorithms developed to predict the effect of sequence changes on RNA splicing suggest that this variant may disrupt the consensus splice site. In summary, the currently available evidence indicates that the variant is pathogenic, but additional data are needed to prove that conclusively. Therefore, this variant has been classified as Likely Pathogenic.

Blueprint Genetics
Classification: Uncertain significance. Last evaluated: 2021-11-05. Review status: criteria provided, single submitter. Criteria: ACMG Guidelines, 2015. Collection method: clinical testing. Allele origin: germline.

Literature cited by the submitters: PubMed 16199547 (cited by Labcorp Genetics (formerly Invitae), Labcorp); PubMed 30488656 (cited by Labcorp Genetics (formerly Invitae), Labcorp); PubMed 30858161 (cited by Labcorp Genetics (formerly Invitae), Labcorp).